The following is an entry in ClinVar:

ClinVar aggregate classification (germline): Likely benign. Review status: criteria provided, single submitter (1 of 4 stars). 2 submissions from 2 submitters: Likely benign (1). 1 of the submissions does not count toward it. Last evaluated 2025-04-09.

Conditions:
NTRK2-related disorder. Also called: NTRK2-related condition.

Allele frequency attached by ClinVar (database versions not stated): gnomAD exomes 0.00002; ESP Exome Variant Server 0.00008; ExAC 0.00006.
gnomAD v4.1: 7 of 1,612,522 alleles (0.00043%); highest among the groups gnomAD compares: South Asian, 0.0022%; no homozygotes.

Submissions (2):

Labcorp Genetics (formerly Invitae), Labcorp
Classification: Likely benign. Last evaluated: 2025-04-09. Review status: criteria provided, single submitter. Criteria: Invitae Variant Classification Sherloc (09022015). Collection method: clinical testing. Allele origin: germline.

PreventionGenetics, part of Exact Sciences
Classification: Likely benign for NTRK2-related condition. Last evaluated: 2022-02-28. Review status: no assertion criteria provided. Collection method: clinical testing. Allele origin: germline. Not counted in ClinVar's aggregate classification.
Comment: This variant is classified as likely benign based on ACMG/AMP sequence variant interpretation guidelines (Richards et al. 2015 PMID: 25741868, with internal and published modifications).

NM_006180.6(NTRK2):c.1995G>A (p.Thr665=)

Gene: NTRK2 (neurotrophic receptor tyrosine kinase 2; plus strand). Cytogenetic location: 9q21.33.
Variant type: single nucleotide variant.
Coding change: c.1995G>A on transcript NM_006180.6 (MANE Select); coding-DNA position 1995, G replaced by A.
Protein change: p.Thr665=; no amino-acid change (threonine 665 retained).
Molecular consequence: synonymous variant.
Genome position (GRCh38, 1-based): chr9:84,955,340, G>A. VCF-style: chr9-84955340-G-A. GRCh37 (hg19) VCF-style: chr9-87570255-G-A.
Other names: c.1947G>A, p.Thr649= (NM_001018064.3, NM_001369532.1, NM_001369533.1); c.1911G>A, p.Thr637= (NM_001369534.1); c.1479G>A, p.Thr493= (NM_001369535.1); c.1527G>A, p.Thr509= (NM_001369536.1); c.1995G>A (NM_006180.4).
Identifiers: ClinVar variation 1550259 (VCV001550259.10), dbSNP rs373618229, ClinGen allele CA5105900.